The following is an entry in ClinVar:

ClinVar aggregate classification (germline): Likely benign (0 of 4 stars; one submission).

Conditions:
PRKG2-related disorder. Also called: PRKG2-related condition.

Allele frequency attached by ClinVar (database versions not stated): gnomAD 0.00090; ExAC 0.00094; TOPMed 0.00094; gnomAD exomes 0.00103; ESP Exome Variant Server 0.00139.
gnomAD v4.1: 1,600 of 1,593,624 alleles (0.1%); highest among the groups gnomAD compares: Non-Finnish European, 0.13%; 3 homozygotes.

Submission:

PreventionGenetics, part of Exact Sciences
Classification: Likely benign for PRKG2-related condition. Last evaluated: 2019-10-28. Review status: no assertion criteria provided. Collection method: clinical testing. Allele origin: germline.
Comment: This variant is classified as likely benign based on ACMG/AMP sequence variant interpretation guidelines (Richards et al. 2015 PMID: 25741868, with internal and published modifications).

NM_006259.3(PRKG2):c.882A>G (p.Lys294=)

Genes: PRKG2 (protein kinase cGMP-dependent 2; minus strand), PRKG2-AS1 (PRKG2 antisense RNA 1; plus strand). Cytogenetic location: 4q21.21.
Variant type: single nucleotide variant.
Coding change: c.882A>G on transcript NM_006259.3 (MANE Select); coding-DNA position 882, A replaced by G.
Protein change: p.Lys294=; no amino-acid change (lysine 294 retained).
Molecular consequence: synonymous variant.
Genome position (GRCh38, 1-based): chr4:81,167,191, T>C on the plus strand (A>G on the coding strand, the complement: PRKG2 is on the minus strand). VCF-style: chr4-81167191-T-C. GRCh37 (hg19) VCF-style: chr4-82088345-T-C.
Other names: c.882A>G, p.Lys294= (NM_001282485.2, NM_001363401.2).
Identifiers: ClinVar variation 3045689 (VCV003045689.2), dbSNP rs56210303, ClinGen allele CA2983847.